The following is an entry in ClinVar:

NM_000020.3(ACVRL1):c.1495C>G (p.Pro499Ala)

Gene: ACVRL1 (activin A receptor like type 1; plus strand). Cytogenetic location: 12q13.13.
Variant type: single nucleotide variant.
Coding change: c.1495C>G on transcript NM_000020.3 (MANE Select); coding-DNA position 1495, C replaced by G.
Protein change: p.Pro499Ala; replaces proline 499 with alanine.
Molecular consequence: missense variant.
Genome position (GRCh38, 1-based): chr12:51,920,876, C>G. VCF-style: chr12-51920876-C-G. GRCh37 (hg19) VCF-style: chr12-52314660-C-G.
Other names: c.1495C>G, p.Pro499Ala (NM_001077401.2, NM_001406487.1); c.1339C>G, p.Pro447Ala (NM_001406490.1); c.1183C>G, p.Pro395Ala (NM_001406491.1, NM_001406492.1); c.985C>G, p.Pro329Ala (NM_001406494.1); c.931C>G, p.Pro311Ala (NM_001406495.1); short protein forms P329A, P447A, P499A, P311A, P395A.
Identifiers: ClinVar variation 3827235 (VCV003827235.1).

ClinVar aggregate classification (germline): Uncertain significance (1 of 4 stars; one submission).

Conditions:
Cardiovascular phenotype. Identifiers: MedGen CN230736.

Submission:

Ambry Genetics
Classification: Uncertain significance for Cardiovascular phenotype. Last evaluated: 2025-01-31. Review status: criteria provided, single submitter. Criteria: Ambry Variant Classification Scheme 2023. Collection method: clinical testing. Allele origin: germline.
Comment: The p.P499A variant (also known as c.1495C>G), located in coding exon 9 of the ACVRL1 gene, results from a C to G substitution at nucleotide position 1495. The proline at codon 499 is replaced by alanine, an amino acid with highly similar properties. This amino acid position is not well conserved in available vertebrate species. In addition, this alteration is predicted to be tolerated by in silico analysis. Based on the available evidence, the clinical significance of this variant remains unclear.